The following is an entry in ClinVar:

ClinVar aggregate classification (germline): Likely benign. Review status: criteria provided, multiple submitters, no conflicts (2 of 4 stars). 5 submissions from 5 submitters: Likely benign (4). 1 of the submissions does not count toward it. Last evaluated 2026-03-24.

Conditions:
KCNMA1-related disorder. Also called: KCNMA1-related disorders; KCNMA1-related condition.
Generalized epilepsy-paroxysmal dyskinesia syndrome (PNKD3). Also called: Paroxysmal nonkinesigenic dyskinesia, 3, with or without generalized epilepsy; Generalized epilepsy and paroxysmal dyskinesia. Identifiers: Orphanet 79137, MedGen C5574945, MONDO:0012276, OMIM 609446.

Allele frequency attached by ClinVar (database versions not stated): TOPMed 0.00004; gnomAD exomes 0.00006 and 0.00012; ExAC 0.00007; ESP Exome Variant Server 0.00008; gnomAD 0.00009.
gnomAD v4.1: 181 of 1,614,110 alleles (0.011%); highest among the groups gnomAD compares: Non-Finnish European, 0.014%; no homozygotes.

Submissions (5):

Women's Health and Genetics/Laboratory Corporation of America, LabCorp
Classification: Likely benign. Last evaluated: 2026-03-24. Review status: criteria provided, single submitter. Criteria: LabCorp Variant Classification Summary - May 2015. Collection method: clinical testing. Allele origin: germline.

CeGaT Center for Human Genetics Tuebingen
Classification: Likely benign. Last evaluated: 2025-10-01. Review status: criteria provided, single submitter. Criteria: CeGaT Center For Human Genetics Tuebingen Variant Classification Criteria Version 2. Collection method: clinical testing. Allele origin: germline. Affected: yes. Observed: 2 variant alleles.
Comment: KCNMA1: BP4, BP7

Labcorp Genetics (formerly Invitae), Labcorp
Classification: Likely benign for Generalized epilepsy-paroxysmal dyskinesia syndrome. Last evaluated: 2024-04-12. Review status: criteria provided, single submitter. Criteria: Invitae Variant Classification Sherloc (09022015). Collection method: clinical testing. Allele origin: germline.

Blueprint Genetics
Classification: Likely benign. Last evaluated: 2022-08-31. Review status: criteria provided, single submitter. Criteria: ACMG Guidelines, 2015. Collection method: clinical testing. Allele origin: germline.

PreventionGenetics, part of Exact Sciences
Classification: Likely benign for KCNMA1-related condition. Last evaluated: 2019-08-09. Review status: no assertion criteria provided. Collection method: clinical testing. Allele origin: germline. Not counted in ClinVar's aggregate classification.
Comment: This variant is classified as likely benign based on ACMG/AMP sequence variant interpretation guidelines (Richards et al. 2015 PMID: 25741868, with internal and published modifications).

NM_001161352.2(KCNMA1):c.1500G>A (p.Ala500=)

Gene: KCNMA1 (potassium calcium-activated channel subfamily M alpha 1; minus strand). Cytogenetic location: 10q22.3.
Variant type: single nucleotide variant.
Coding change: c.1500G>A on transcript NM_001161352.2 (MANE Select); coding-DNA position 1500, G replaced by A.
Protein change: p.Ala500=; no amino-acid change (alanine 500 retained).
Molecular consequence: synonymous variant.
Genome position (GRCh38, 1-based): chr10:77,084,660, C>T on the plus strand (G>A on the coding strand, the complement: KCNMA1 is on the minus strand). VCF-style: chr10-77084660-C-T. GRCh37 (hg19) VCF-style: chr10-78844418-C-T.
Other names: c.1500G>A, p.Ala500= (NM_001014797.3, NM_001161353.2, NM_001271519.2 and 7 more transcripts); c.1338G>A, p.Ala446= (NM_001271518.2); c.960G>A, p.Ala320= (NM_001322838.2).
Identifiers: ClinVar variation 464294 (VCV000464294.29), dbSNP rs201400928, ClinGen allele CA5568426.